The following is an entry in ClinVar:

ClinVar aggregate classification (germline): Uncertain significance (1 of 4 stars; one submission).

Conditions:
Hermansky-Pudlak syndrome (HPS). Also called: ALBINISM WITH HEMORRHAGIC DIATHESIS AND PIGMENTED RETICULOENDOTHELIAL CELLS. Identifiers: Orphanet 79430, MedGen C0079504, MONDO:0019312.

Submission:

Broad Center for Mendelian Genomics, Broad Institute of MIT and Harvard
Classification: Uncertain significance for Hermansky-Pudlak syndrome. Last evaluated: 2025-06-06. Review status: criteria provided, single submitter. Criteria: ACMG/ClinGen CNV Guidelines, 2019. Collection method: curation. Allele origin: unknown. Inheritance: Autosomal recessive inheritance.
Comment: The coding exon 1 deletion (exon 3) of HPS1 was identified, in the compound heterozygous state with a pathogenic variant (VCV001341379.7), in an individual with Hermansky-Pudlak syndrome (PMID: 34216551), and has been identified in 0.005% (3/59088) of European (non-Finnish) chromosomes by the Genome Aggregation Database (gnomAD). Although this variant has been seen in the general population in a heterozygous state, its frequency is low enough to be consistent with a recessive carrier frequency. This variant deletes the first coding exon of HPS1 and obliterates the methionine initiation codon. The next in-frame methionine is at amino acid residue 59 and there is one reported pathogenic variant upstream of this downstream methionine. This suggests that the exon 3 deletion may result in a truncated or absent protein. Loss of function of HPS1 is an established disease mechanism in autosomal recessive Hermansky-Pudlak syndrome. In summary, the clinical significance of the variant is uncertain. The ACMG/ClinGen evidence codes and points used in this curation are as follows: 1A: 0 points, 2E: 0.30 points, 3A: 0 points, 4E: 0.3 points, 5G: 0 points; Total: 0.6 points; Riggs 2020 (PMID: 31690835).

Literature cited by the submitters: PubMed 34216551.

Single allele

Gene: HPS1 (HPS1 biogenesis of lysosomal organelles complex 3 subunit 1; minus strand). Cytogenetic location: 10q24.2.
Variant type: Deletion.
Identifiers: ClinVar variation 4056467 (VCV004056467.1).